The following is an entry in ClinVar:

ClinVar aggregate classification (germline): Uncertain significance (1 of 4 stars; one submission).

Submission:

GeneDx
Classification: Uncertain significance. Last evaluated: 2023-03-24. Review status: criteria provided, single submitter. Criteria: GeneDx Variant Classification Process June 2021. Collection method: clinical testing. Allele origin: germline. Affected: yes.
Comment: Not observed at significant frequency in large population cohorts (gnomAD); In silico analysis supports that this missense variant does not alter protein structure/function; Has not been previously published as pathogenic or benign to our knowledge

NM_001257291.2(SLC9A7):c.158C>T (p.Ala53Val)

Gene: SLC9A7 (solute carrier family 9 member A7; minus strand). Cytogenetic location: Xp11.3.
Variant type: single nucleotide variant.
Coding change: c.158C>T on transcript NM_001257291.2 (MANE Select); coding-DNA position 158, C replaced by T.
Protein change: p.Ala53Val; replaces alanine 53 with valine.
Molecular consequence: missense variant.
Genome position (GRCh38, 1-based): chrX:46,758,872, G>A on the plus strand (C>T on the coding strand, the complement: SLC9A7 is on the minus strand). VCF-style: chrX-46758872-G-A. GRCh37 (hg19) VCF-style: chrX-46618307-G-A.
Other names: c.158C>T, p.Ala53Val (NM_032591.3); short protein forms A53V.
Identifiers: ClinVar variation 2580737 (VCV002580737.1), dbSNP rs2519855219, ClinGen allele CA413037429.
Genomic context (GRCh38, chrX:46,758,872, plus strand): 5'-CTCACGCTGTCTTGCCGGTGGCTCTCCTCCGCCTCCTTCTCAGTAGCGAGCTCCTCCATG[G>A]CGCTGCTGTCCTCCGCCGCCGCCCCAGAGGAGGAGGCCGAGGCCGCGGCCGCGACTCGCA-3'
Protein context (NP_001244220.1, residues 43-63): SSGAAAEDSS[Ala53Val]MEELATEKEA